The following is an entry in ClinVar:

ClinVar aggregate classification (germline): Uncertain significance (1 of 4 stars; one submission).

Conditions:
Hereditary spastic paraplegia 48. Also called: Spastic paraplegia 48; SPASTIC PARAPLEGIA 48, AUTOSOMAL RECESSIVE. Identifiers: Orphanet 306511, MedGen C3150901, MONDO:0013342, OMIM 613647.

Submission:

Labcorp Genetics (formerly Invitae), Labcorp
Classification: Uncertain significance for Hereditary spastic paraplegia 48. Last evaluated: 2024-03-19. Review status: criteria provided, single submitter. Criteria: Invitae Variant Classification Sherloc (09022015). Collection method: clinical testing. Allele origin: germline.
Comment: This sequence change creates a premature translational stop signal (p.Leu729Trpfs*27) in the AP5Z1 gene. While this is not anticipated to result in nonsense mediated decay, it is expected to disrupt the last 79 amino acid(s) of the AP5Z1 protein. This variant is present in population databases (no rsID available, gnomAD 0.01%). This variant has not been reported in the literature in individuals affected with AP5Z1-related conditions. ClinVar contains an entry for this variant (Variation ID: 651038). Experimental studies and prediction algorithms are not available or were not evaluated, and the functional significance of this variant is currently unknown. In summary, the available evidence is currently insufficient to determine the role of this variant in disease. Therefore, it has been classified as a Variant of Uncertain Significance.

NM_014855.3(AP5Z1):c.2185del (p.Leu729fs)

Gene: AP5Z1 (adaptor related protein complex 5 subunit zeta 1; plus strand). Cytogenetic location: 7p22.1.
Variant type: Deletion.
Coding change: c.2185del on transcript NM_014855.3 (MANE Select); coding-DNA position 2185, one base deleted (C; older notation c.2185delC).
Protein change: p.Leu729fs; shifts the reading frame from leucine 729.
Molecular consequence: frameshift variant. On other transcripts: non-coding transcript variant (1).
Genome position (GRCh38, 1-based): chr7:4,791,146, C deleted; the last of 3 consecutive C bases (chr7:4,791,144-4,791,146); deleting any one gives the same sequence. VCF-style (leftmost placement, unchanged base first): chr7-4791143-AC-A. GRCh37 (hg19) VCF-style: chr7-4830774-AC-A.
Other names: c.1717del, p.Leu573fs (NM_001364858.1); short protein forms L729fs, L573fs.
Identifiers: ClinVar variation 651038 (VCV000651038.6), dbSNP rs1326802596, ClinGen allele CA572819273.